The following is an entry in ClinVar:

NM_001347721.2(DYRK1A):c.1039A>C (p.Thr347Pro)

Gene: DYRK1A (dual specificity tyrosine phosphorylation regulated kinase 1A; plus strand). Cytogenetic location: 21q22.13.
Variant type: single nucleotide variant.
Coding change: c.1039A>C on transcript NM_001347721.2 (MANE Select); coding-DNA position 1039, A replaced by C.
Protein change: p.Thr347Pro; replaces threonine 347 with proline.
Molecular consequence: missense variant.
Genome position (GRCh38, 1-based): chr21:37,493,131, A>C. VCF-style: chr21-37493131-A-C. GRCh37 (hg19) VCF-style: chr21-38865433-A-C.
Other names: c.1039A>C, p.Thr347Pro (NM_001347722.2, NM_130436.2); c.952A>C, p.Thr318Pro (NM_001347723.2); c.1066A>C, p.Thr356Pro (NM_001396.5, NM_101395.2, NM_130438.2); short protein forms T318P, T347P, T356P.
Identifiers: ClinVar variation 3899093 (VCV003899093.1).
Genomic context (GRCh38, chr21:37,493,131, plus strand): 5'-ATGCCTTATGACCTTGCCATTGATATGTGGTCCCTCGGGTGTATTTTGGTTGAAATGCAC[A>C]CTGGAGAACCTCTGTTCAGTGGTGCCAATGAGGTAAATGATGTATTGCTTTACAAATTCT-3'
Protein context (NP_001334650.1, residues 337-357): SLGCILVEMH[Thr347Pro]GEPLFSGANE

ClinVar aggregate classification (germline): Uncertain significance (1 of 4 stars; one submission).

Submission:

GeneDx
Classification: Uncertain significance. Last evaluated: 2024-11-06. Review status: criteria provided, single submitter. Criteria: GeneDx Variant Classification Process June 2021. Collection method: clinical testing. Allele origin: germline. Affected: yes.
Comment: Not observed at significant frequency in large population cohorts (gnomAD); In silico analysis supports that this missense variant has a deleterious effect on protein structure/function; Has not been previously published as pathogenic or benign to our knowledge